The following is an entry in ClinVar:

ClinVar aggregate classification (germline): Uncertain significance (1 of 4 stars; one submission).

Allele frequency attached by ClinVar (database versions not stated): gnomAD exomes below 0.00001; TOPMed 0.00002.

Submission:

GeneDx
Classification: Uncertain significance. Last evaluated: 2023-03-16. Review status: criteria provided, single submitter. Criteria: GeneDx Variant Classification Process June 2021. Collection method: clinical testing. Allele origin: germline. Affected: yes.
Comment: Not observed at significant frequency in large population cohorts (gnomAD); In silico analysis supports that this missense variant does not alter protein structure/function; Has not been previously published as pathogenic or benign to our knowledge

NM_000489.6(ATRX):c.164A>G (p.Asp55Gly)

Gene: ATRX (ATRX chromatin remodeler; minus strand). Cytogenetic location: Xq21.1.
Variant type: single nucleotide variant.
Coding change: c.164A>G on transcript NM_000489.6 (MANE Select); coding-DNA position 164, A replaced by G.
Protein change: p.Asp55Gly; replaces aspartic acid 55 with glycine.
Molecular consequence: missense variant.
Genome position (GRCh38, 1-based): chrX:77,698,599, T>C on the plus strand (A>G on the coding strand, the complement: ATRX is on the minus strand). VCF-style: chrX-77698599-T-C. GRCh37 (hg19) VCF-style: chrX-76954087-T-C.
Other names: c.164A>G, p.Asp55Gly (NM_138270.5); short protein forms D55G.
Identifiers: ClinVar variation 2579806 (VCV002579806.1), dbSNP rs1332942994, ClinGen allele CA413724424.